The following is an entry in ClinVar:

NM_001134407.3(GRIN2A):c.82_84del (p.Glu28del)

Gene: GRIN2A (glutamate ionotropic receptor NMDA type subunit 2A; minus strand). Cytogenetic location: 16p13.2.
Variant type: Deletion.
Coding change: c.82_84del on transcript NM_001134407.3 (MANE Select); coding-DNA positions 82 to 84, 3 bases deleted (GAG; older notation c.82_84delGAG).
Protein change: p.Glu28del; deletes glutamic acid 28.
Molecular consequence: inframe deletion.
Genome position (GRCh38, 1-based): chr16:10,180,328-10,180,330, CTC deleted on the plus strand (GAG on the coding strand, the reverse complement: GRIN2A is on the minus strand); deleting any 3 consecutive bases within chr16:10,180,328-10,180,331 gives the same sequence; the c. name uses the placement nearest the transcript's 3' end. VCF-style (leftmost placement, unchanged base first): chr16-10180327-TCTC-T. GRCh37 (hg19) VCF-style: chr16-10274184-TCTC-T.
Other names: c.82_84del, p.Glu28del (NM_000833.5, NM_001134408.2); short protein forms E28del.
Identifiers: ClinVar variation 423684 (VCV000423684.10), dbSNP rs767188122, ClinGen allele CA7897044.
Genomic context (GRCh38, chr16:10,180,327, plus strand): 5'-GCTCTGTCACGTCGTGGCTGTGACCCAGCATCACCGCAATATTTAGCGCGGGGGGACCCT[TCTC>T]CGCCGCCGCGCTCGGCGCCGGACCGCGCCAGACCAGAAGGGCCGGCAGCACCAGCAGGGT-3'

ClinVar aggregate classification (germline): Uncertain significance. Review status: criteria provided, multiple submitters, no conflicts (2 of 4 stars). 2 submissions from 2 submitters: Uncertain significance (2). Last evaluated 2025-09-02.

Conditions:
Landau-Kleffner syndrome (FESD). Also called: EPILEPSY, FOCAL, WITH SPEECH DISORDER AND WITH OR WITHOUT MENTAL RETARDATION; APHASIA, ACQUIRED, WITH EPILEPSY. Identifiers: Orphanet 1945, Orphanet 725, Orphanet 98818, MedGen C0282512, MONDO:0009509, OMIM 245570.

Submissions (2):

Labcorp Genetics (formerly Invitae), Labcorp
Classification: Uncertain significance for Landau-Kleffner syndrome. Last evaluated: 2025-09-02. Review status: criteria provided, single submitter. Criteria: Invitae Variant Classification Sherloc (09022015). Collection method: clinical testing. Allele origin: germline.
Comment: This variant, c.82_84del, results in the deletion of 1 amino acid(s) of the GRIN2A protein (p.Glu28del), but otherwise preserves the integrity of the reading frame. This variant is present in population databases (rs767188122, gnomAD 0.002%). This variant has not been reported in the literature in individuals affected with GRIN2A-related conditions. This variant has been observed in at least one individual who was not affected with GRIN2A-related conditions (internal data). ClinVar contains an entry for this variant (Variation ID: 423684). In summary, the available evidence is currently insufficient to determine the role of this variant in disease. Therefore, it has been classified as a Variant of Uncertain Significance.

GeneDx
Classification: Uncertain significance. Last evaluated: 2017-02-17. Review status: criteria provided, single submitter. Criteria: GeneDx Variant Classification (06012015). Collection method: clinical testing. Allele origin: germline. Affected: yes.
Comment: The c.82_84delGAG variant in the GRIN2A gene has not been reported previously as a pathogenic variant, nor as a benign variant, to our knowledge. The c.82_84delGAG variant results in the in-frame deletion of three base pairs, which is predicted to cause loss of the Glutamic Acid residue at position 28 in the protein, denoted p.Glu28del. The deleted residue is conserved through mammals. In silico analysis is inconsistent in its predictions as to whether or not the variant is damaging to the protein structure/function. The c.82_84delGAG variant is not observed with any significant frequency in large population cohorts (Lek et al., 2016; 1000 Genomes Consortium et al., 2015; Exome Variant Server). We interpret c.82_84delGAG as a variant of uncertain significance.